The following is an entry in ClinVar:

NM_018192.4(P3H2):c.1085T>C (p.Ile362Thr)

Gene: P3H2 (prolyl 3-hydroxylase 2; minus strand). Cytogenetic location: 3q28.
Variant type: single nucleotide variant.
Coding change: c.1085T>C on transcript NM_018192.4 (MANE Select); coding-DNA position 1085, T replaced by C.
Protein change: p.Ile362Thr; replaces isoleucine 362 with threonine.
Molecular consequence: missense variant.
Genome position (GRCh38, 1-based): chr3:189,987,540, A>G on the plus strand (T>C on the coding strand, the complement: P3H2 is on the minus strand). VCF-style: chr3-189987540-A-G. GRCh37 (hg19) VCF-style: chr3-189705329-A-G.
Other names: c.542T>C, p.Ile181Thr (NM_001134418.2); short protein forms I362T, I181T.
Identifiers: ClinVar variation 1519750 (VCV001519750.7), dbSNP rs146105790, ClinGen allele CA2753122.

ClinVar aggregate classification (germline): Uncertain significance. Review status: criteria provided, multiple submitters, no conflicts (2 of 4 stars). 2 submissions from 2 submitters: Uncertain significance (2). Last evaluated 2022-07-05.

Allele frequency attached by ClinVar (database versions not stated): gnomAD 0.00001; gnomAD exomes 0.00001 and 0.00003; TOPMed 0.00001; ExAC 0.00003.
gnomAD v4.1: 17 of 1,613,952 alleles (0.0011%); highest among the groups gnomAD compares: East Asian, 0.0022%; no homozygotes.

Submissions (2):

Labcorp Genetics (formerly Invitae), Labcorp
Classification: Uncertain significance. Last evaluated: 2022-07-05. Review status: criteria provided, single submitter. Criteria: Invitae Variant Classification Sherloc (09022015). Collection method: clinical testing. Allele origin: germline.
Comment: In summary, the available evidence is currently insufficient to determine the role of this variant in disease. Therefore, it has been classified as a Variant of Uncertain Significance. Algorithms developed to predict the effect of missense changes on protein structure and function (SIFT, PolyPhen-2, Align-GVGD) all suggest that this variant is likely to be tolerated. ClinVar contains an entry for this variant (Variation ID: 1519750). This variant has not been reported in the literature in individuals affected with P3H2-related conditions. This variant is present in population databases (rs146105790, gnomAD 0.01%). This sequence change replaces isoleucine, which is neutral and non-polar, with threonine, which is neutral and polar, at codon 362 of the P3H2 protein (p.Ile362Thr).

Breakthrough Genomics
Classification: Uncertain significance. Review status: criteria provided, single submitter. Criteria: ACMG Guidelines, 2015. Collection method: not provided. Allele origin: germline. Inheritance: Autosomal recessive inheritance. Affected: yes.